The following is an entry in ClinVar:

ClinVar aggregate classification (germline): Uncertain significance (1 of 4 stars; one submission).

Allele frequency attached by ClinVar (database versions not stated): TOPMed below 0.00001; gnomAD 0.00001.
gnomAD v4.1: 1 of 1,613,914 alleles (0.000062%); highest among the groups gnomAD compares: Non-Finnish European, 0.000085%; no homozygotes.

Submission:

Women's Health and Genetics/Laboratory Corporation of America, LabCorp
Classification: Uncertain significance. Last evaluated: 2022-03-04. Review status: criteria provided, single submitter. Criteria: LabCorp Variant Classification Summary - May 2015. Collection method: clinical testing. Allele origin: germline.
Comment: Variant summary: GFPT1 c.2055+1G>T is located in a canonical splice-site and is predicted to affect mRNA splicing resulting in a significantly altered protein due to either exon skipping, shortening, or inclusion of intronic material. Several computational tools predict a significant impact on normal splicing: Four predict the variant abolishes a canonical 5' prime splicing donor site. However, these predictions have yet to be confirmed by functional studies and due to the location of the splice site (intron 19 of 20 exons), the impact of this change in unclear. No other variants affecting this splice site have been reported in ClinVar or HGMD, and no downstream truncations have been reported in these databases. The variant was absent in 251414 control chromosomes (gnomAD). To our knowledge, no occurrence of c.2055+1G>T in individuals affected with Congenital Myasthenic Syndrome and no experimental evidence demonstrating its impact on protein function have been reported. No clinical diagnostic laboratories have submitted clinical-significance assessments for this variant to ClinVar after 2014. Based on the evidence outlined above, the variant was classified as VUS.

NM_001244710.2(GFPT1):c.2055+1G>T

Gene: GFPT1 (glutamine--fructose-6-phosphate transaminase 1; minus strand). Cytogenetic location: 2p13.3.
Variant type: single nucleotide variant.
Coding change: c.2055+1G>T on transcript NM_001244710.2 (MANE Select); the canonical splice donor site of the intron after coding-DNA position 2055, G replaced by T.
Molecular consequence: splice donor variant.
Genome position (GRCh38, 1-based): chr2:69,326,913, C>A on the plus strand (G>T on the coding strand, the complement: GFPT1 is on the minus strand). VCF-style: chr2-69326913-C-A. GRCh37 (hg19) VCF-style: chr2-69554045-C-A.
Other names: c.2001+1G>T (NM_002056.4).
Identifiers: ClinVar variation 1677009 (VCV001677009.1), dbSNP rs868258818, ClinGen allele CA49444877.